The following is an entry in ClinVar:

ClinVar aggregate classification (germline): Uncertain significance (1 of 4 stars; one submission).

Submission:

CeGaT Center for Human Genetics Tuebingen
Classification: Uncertain significance. Last evaluated: 2022-05-01. Review status: criteria provided, single submitter. Criteria: CeGaT Center For Human Genetics Tuebingen Variant Classification Criteria Version 2. Collection method: clinical testing. Allele origin: germline. Affected: yes. Observed: 1 variant allele.
Comment: KIDINS220: PM2

NM_020738.4(KIDINS220):c.2683A>G (p.Lys895Glu)

Gene: KIDINS220 (kinase D interacting substrate 220; minus strand). Cytogenetic location: 2p25.1.
Variant type: single nucleotide variant.
Coding change: c.2683A>G on transcript NM_020738.4 (MANE Select); coding-DNA position 2683, A replaced by G.
Protein change: p.Lys895Glu; replaces lysine 895 with glutamic acid.
Molecular consequence: missense variant. On other transcripts: non-coding transcript variant (2).
Genome position (GRCh38, 1-based): chr2:8,778,659, T>C on the plus strand (A>G on the coding strand, the complement: KIDINS220 is on the minus strand). VCF-style: chr2-8778659-T-C. GRCh37 (hg19) VCF-style: chr2-8918789-T-C.
Other names: c.2686A>G, p.Lys896Glu (NM_001348729.2, NM_001348731.2, NM_001348734.2 and 3 more transcripts); c.2683A>G, p.Lys895Glu (NM_001348732.2, NM_001348735.2, NM_001348738.2 and 3 more transcripts); c.2557A>G, p.Lys853Glu (NM_001348736.2); short protein forms K853E, K895E, K896E.
Identifiers: ClinVar variation 2650654 (VCV002650654.24), dbSNP rs1344382467, ClinGen allele CA345759635.
Genomic context (GRCh38, chr2:8,778,659, plus strand): 5'-AGCAATACAAACATACAGCTCGAAGCCAATGGCATCTTACCCGTCTATTGAGGGCTGTCT[T>C]GCTACCAAGTTTTGTCATCTCCCCAAGGCTGTTCTGTGAAACTCTTCTGTCAGCATCTTC-3'
Protein context (NP_065789.1, residues 885-905): SLGEMTKLGS[Lys895Glu]TALNRRDTYR